The following is an entry in ClinVar:

ClinVar aggregate classification (germline): Benign/Likely benign. Review status: criteria provided, multiple submitters, no conflicts (2 of 4 stars). 3 submissions from 3 submitters: Benign (1); Likely benign (1). 1 of the submissions does not count toward it. Last evaluated 2023-12-27.

Conditions:
BLTP1-related disorder. Also called: BLTP1-related condition.

Allele frequency attached by ClinVar (database versions not stated): gnomAD exomes 0.00017 and 0.00042; ExAC 0.00045; 1000 Genomes Project 30x 0.00172; 1000 Genomes Project 0.00180; ESP Exome Variant Server 0.00193; gnomAD 0.00194 and 0.00210; TOPMed 0.00237.
gnomAD v4.1: 553 of 1,613,072 alleles (0.034%); highest among the groups gnomAD compares: African/African-American, 0.67%; 5 homozygotes.

Submissions (3):

Blueprint Genetics
Classification: Likely benign. Last evaluated: 2023-12-27. Review status: criteria provided, single submitter. Criteria: ACMG Guidelines, 2015. Collection method: clinical testing. Allele origin: germline.

Labcorp Genetics (formerly Invitae), Labcorp
Classification: Benign. Last evaluated: 2019-12-31. Review status: criteria provided, single submitter. Criteria: Invitae Variant Classification Sherloc (09022015). Collection method: clinical testing. Allele origin: germline.

PreventionGenetics, part of Exact Sciences
Classification: Likely benign for BLTP1-related condition. Last evaluated: 2019-11-12. Review status: no assertion criteria provided. Collection method: clinical testing. Allele origin: germline. Not counted in ClinVar's aggregate classification.
Comment: This variant is classified as likely benign based on ACMG/AMP sequence variant interpretation guidelines (Richards et al. 2015 PMID: 25741868, with internal and published modifications).

NM_001384125.1(BLTP1):c.14511C>T (p.Pro4837=)

Gene: BLTP1 (bridge-like lipid transfer protein family member 1; plus strand). Cytogenetic location: 4q27.
Variant type: single nucleotide variant.
Coding change: c.14511C>T on transcript NM_001384125.1 (MANE Select); coding-DNA position 14511, C replaced by T.
Protein change: p.Pro4837=; no amino-acid change (proline 4837 retained).
Molecular consequence: synonymous variant.
Genome position (GRCh38, 1-based): chr4:122,353,959, C>T. VCF-style: chr4-122353959-C-T. GRCh37 (hg19) VCF-style: chr4-123275114-C-T.
Other names: c.14247C>T, p.Pro4749= (NM_015312.4).
Identifiers: ClinVar variation 776016 (VCV000776016.7), dbSNP rs150720595, ClinGen allele CA3068350.